The following is an entry in ClinVar:

NM_080680.3(COL11A2):c.1773G>T (p.Arg591Ser)

Gene: COL11A2 (collagen type XI alpha 2 chain; minus strand). Cytogenetic location: 6p21.32.
Variant type: single nucleotide variant.
Coding change: c.1773G>T on transcript NM_080680.3 (MANE Select); coding-DNA position 1773, G replaced by T.
Protein change: p.Arg591Ser; replaces arginine 591 with serine.
Molecular consequence: missense variant.
Genome position (GRCh38, 1-based): chr6:33,178,435, C>A on the plus strand (G>T on the coding strand, the complement: COL11A2 is on the minus strand). VCF-style: chr6-33178435-C-A. GRCh37 (hg19) VCF-style: chr6-33146212-C-A.
Other names: c.1452G>T, p.Arg484Ser (NM_080679.3); c.1515G>T, p.Arg505Ser (NM_080681.3); short protein forms R484S, R591S, R505S.
Identifiers: ClinVar variation 2129306 (VCV002129306.4), dbSNP rs1771231847, ClinGen allele CA363657693.
Genomic context (GRCh38, chr6:33,178,435, plus strand): 5'-AGCTGCTGTGCCTTCTAGACCTCCCCTGCACCCAGCCCCTACATTTGCCACTACACTTAC[C>A]CTCTCTCCATCCTCACCAGGGGGACCAGGAAGGCCCTGGGCACCAGTATCACCCTGCAAA-3'
Protein context (NP_542411.2, residues 581-601): LPGPPGEDGE[Arg591Ser]GDDGEIGPRG

ClinVar aggregate classification (germline): Uncertain significance (1 of 4 stars; one submission).

Submission:

Labcorp Genetics (formerly Invitae), Labcorp
Classification: Uncertain significance. Last evaluated: 2022-04-22. Review status: criteria provided, single submitter. Criteria: Invitae Variant Classification Sherloc (09022015). Collection method: clinical testing. Allele origin: germline.
Comment: In summary, the available evidence is currently insufficient to determine the role of this variant in disease. Therefore, it has been classified as a Variant of Uncertain Significance. Variants that disrupt the consensus splice site are a relatively common cause of aberrant splicing (PMID: 17576681, 9536098). Algorithms developed to predict the effect of sequence changes on RNA splicing suggest that this variant may disrupt the consensus splice site. Algorithms developed to predict the effect of missense changes on protein structure and function are either unavailable or do not agree on the potential impact of this missense change (SIFT: "Deleterious"; PolyPhen-2: "Probably Damaging"; Align-GVGD: "Class C15"). This variant has not been reported in the literature in individuals affected with COL11A2-related conditions. This variant is not present in population databases (gnomAD no frequency). This sequence change replaces arginine, which is basic and polar, with serine, which is neutral and polar, at codon 591 of the COL11A2 protein (p.Arg591Ser). This variant also falls at the last nucleotide of exon 19, which is part of the consensus splice site for this exon.

Literature cited by the submitters: PubMed 17576681; PubMed 9536098.